The following is an entry in ClinVar:

ClinVar aggregate classification (germline): Uncertain significance (1 of 4 stars; one submission).

Conditions:
Hereditary factor IX deficiency disease (HEMB). Also called: Christmas Disease; F9 DEFICIENCY; FACTOR IX DEFICIENCY; PLASMA THROMBOPLASTIN COMPONENT DEFICIENCY; Hemophilia B. Identifiers: Orphanet 98879, MedGen C0008533, MeSH D002836, MONDO:0010604, OMIM 306900.
Thrombophilia, X-linked, due to factor 9 defect. Identifiers: MedGen C2749016, MONDO:0010432, OMIM 300807.

Submission:

Labcorp Genetics (formerly Invitae), Labcorp
Classification: Uncertain significance for Thrombophilia, X-linked, due to factor 9 defect; Hereditary factor IX deficiency disease. Last evaluated: 2025-11-13. Review status: criteria provided, single submitter. Criteria: Invitae Variant Classification Sherloc (09022015). Collection method: clinical testing. Allele origin: germline.
Comment: This sequence change replaces leucine, which is neutral and non-polar, with proline, which is neutral and non-polar, at codon 60 of the F9 protein (p.Leu60Pro). This variant is not present in population databases (gnomAD no frequency). This variant has not been reported in the literature in individuals affected with F9-related conditions. Invitae Evidence Modeling of protein sequence and biophysical properties (such as structural, functional, and spatial information, amino acid conservation, physicochemical variation, residue mobility, and thermodynamic stability) indicates that this missense variant is expected to disrupt F9 protein function with a positive predictive value of 95%. This variant disrupts the p.Leu60 amino acid residue in F9. Other variant(s) that disrupt this residue have been observed in individuals with F9-related conditions (PMID: 22103590), which suggests that this may be a clinically significant amino acid residue. In summary, the available evidence is currently insufficient to determine the role of this variant in disease. Therefore, it has been classified as a Variant of Uncertain Significance.

Literature cited by the submitters: PubMed 22103590.

NM_000133.4(F9):c.179T>C (p.Leu60Pro)

Gene: F9 (coagulation factor IX; plus strand). Cytogenetic location: Xq27.1.
Variant type: single nucleotide variant.
Coding change: c.179T>C on transcript NM_000133.4 (MANE Select); coding-DNA position 179, T replaced by C.
Protein change: p.Leu60Pro; replaces leucine 60 with proline.
Molecular consequence: missense variant.
Genome position (GRCh38, 1-based): chrX:139,537,100, T>C. VCF-style: chrX-139537100-T-C. GRCh37 (hg19) VCF-style: chrX-138619259-T-C.
Other names: c.179T>C, p.Leu60Pro (NM_001313913.2); short protein forms L60P.
Identifiers: ClinVar variation 4783885 (VCV004783885.1).